The following is an entry in ClinVar:

NM_004006.3(DMD):c.93+5601G>T

Gene: DMD (dystrophin; minus strand). Cytogenetic location: Xp21.1.
Variant type: single nucleotide variant.
Coding change: c.93+5601G>T on transcript NM_004006.3 (MANE Select); 5601 bases into the intron after coding-DNA position 93, G replaced by T.
Molecular consequence: intron variant.
Genome position (GRCh38, 1-based): chrX:33,014,538, C>A on the plus strand (G>T on the coding strand, the complement: DMD is on the minus strand). VCF-style: chrX-33014538-C-A. GRCh37 (hg19) VCF-style: chrX-33032655-C-A.
Other names: c.69+5601G>T (NM_000109.4); c.81+5601G>T (NM_004009.3); c.-277+5601G>T (NM_004010.3).
Identifiers: ClinVar variation 137112 (VCV000137112.5), dbSNP rs34892244, ClinGen allele CA290632.

ClinVar aggregate classification (germline): Benign. Review status: criteria provided, multiple submitters, no conflicts (2 of 4 stars). 3 submissions from 3 submitters: Benign (2). 1 of the submissions does not count toward it. Last evaluated 2024-11-28.

Conditions:
Dystrophin deficiency.
Becker muscular dystrophy (BMD). Also called: MUSCULAR DYSTROPHY, PSEUDOHYPERTROPHIC PROGRESSIVE, BECKER TYPE; Becker Muscular Dystrophy (BMD). Identifiers: Orphanet 98895, MedGen C0917713, MONDO:0010311, OMIM 300376.
Cardiomyopathy (CMYO). Also called: Cardiomyopathies. Identifiers: Orphanet 167848, MedGen C0878544, MONDO:0004994, HP:0001638. Inheritance: Various modes of inheritance.
Duchenne muscular dystrophy (DMD). Also called: Duchenne Muscular Dystrophy (DMD); MUSCULAR DYSTROPHY, PSEUDOHYPERTROPHIC PROGRESSIVE, DUCHENNE TYPE. Identifiers: Orphanet 98896, MedGen C0013264, MONDO:0010679, OMIM 310200.

Allele frequency attached by ClinVar (database versions not stated): 1000 Genomes Project 0.13033; gnomAD 0.09806 and 0.10143; 1000 Genomes Project 30x 0.13340; TOPMed 0.11645.
gnomAD v4.1: 10,834 of 110,870 alleles (9.8%); highest among the groups gnomAD compares: African/African-American, 23%; 749 homozygotes.

Submissions (3):

Blueprint Genetics
Classification: Benign. Last evaluated: 2024-11-28. Review status: criteria provided, single submitter. Criteria: ACMG Guidelines, 2015. Collection method: clinical testing. Allele origin: germline.

GeneDx
Classification: Benign. Last evaluated: 2014-01-08. Review status: criteria provided, single submitter. Criteria: GeneDx Variant Classification (06012015). Collection method: clinical testing. Allele origin: germline. Affected: yes.
Comment: This variant is considered likely benign or benign based on one or more of the following criteria: it is a conservative change, it occurs at a poorly conserved position in the protein, it is predicted to be benign by multiple in silico algorithms, and/or has population frequency not consistent with disease.

Natera, Inc.
Classification: Benign for Becker muscular dystrophy; Cardiomyopathy; Duchenne muscular dystrophy; Dystrophin deficiency. Last evaluated: 2017-04-20. Review status: no assertion criteria provided. Collection method: clinical testing. Allele origin: germline. Not counted in ClinVar's aggregate classification.